The following is an entry in ClinVar:

NM_001110556.2(FLNA):c.2826+20_2826+21del

Gene: FLNA (filamin A; minus strand). Cytogenetic location: Xq28.
Variant type: Deletion.
Coding change: c.2826+20_2826+21del on transcript NM_001110556.2 (MANE Select); bases 20 to 21 of the intron after coding-DNA position 2826, 2 bases deleted (CA; older notation c.2826+20_2826+21delCA).
Molecular consequence: intron variant.
Genome position (GRCh38, 1-based): chrX:154,361,958-154,361,959, TG deleted on the plus strand (CA on the coding strand, the reverse complement: FLNA is on the minus strand); deleting any 2 consecutive bases within chrX:154,361,958-154,361,960 gives the same sequence; the c. name uses the placement nearest the transcript's 3' end. VCF-style (leftmost placement, unchanged base first): chrX-154361957-CTG-C. GRCh37 (hg19) VCF-style: chrX-153590325-CTG-C.
Other names: c.2826+20_2826+21delCA (NM_001456.3); c.2826+20_2826+21del (NM_001456.4).
Identifiers: ClinVar variation 508896 (VCV000508896.6), dbSNP rs782202391, ClinGen allele CA10560834.
Genomic context (GRCh38, chrX:154,361,957, plus strand): 5'-CAGAAAGTCCCTCGGAGCTGTCCCCTAGGCTGCTGCATGAGGAGGCTGGGGACTCGGTGA[CTG>C]TAGTGGAGGGTGTGGCTACCTGCTGGACAGGCGTGTACTTGACTGTGTAGGTGTTGTCAT-3'

ClinVar aggregate classification (germline): Likely benign. Review status: criteria provided, multiple submitters, no conflicts (2 of 4 stars). 2 submissions from 2 submitters: Likely benign (2). Last evaluated 2025-11-05.

Conditions:
Melnick-Needles syndrome (MNS). Also called: MELNICK-NEEDLES OSTEODYSPLASTY; Melnick-Needles Syndrome (FLNA-MNS); OSTEODYSPLASTY OF MELNICK AND NEEDLES. Identifiers: Orphanet 2484, MedGen C0025237, MONDO:0010650, OMIM 309350.
Frontometaphyseal dysplasia (FMD1). Identifiers: Orphanet 1826, MedGen C0265293, MONDO:0015942.
Heterotopia, periventricular, X-linked dominant (PVNH1). Also called: PERIVENTRICULAR NODULAR HETEROTOPIA 4; HETEROTOPIA, PERIVENTRICULAR, 1; PERIVENTRICULAR NODULAR HETEROTOPIA 1; X-linked periventricular heterotopia. Identifiers: Orphanet 2149, Orphanet 82004, MedGen C1848213, MONDO:0010233, OMIM 300049.
Oto-palato-digital syndrome, type II (OPD2). Also called: Otopalatodigital Syndrome Type 2 (FLNA-OPD2); FACIOPALATOOSSEOUS SYNDROME; OPD II SYNDROME; Otopalatodigital Syndrome, Type II. Identifiers: Orphanet 669, Orphanet 90652, MedGen C1844696, MONDO:0010571, OMIM 304120.

Submissions (2):

Labcorp Genetics (formerly Invitae), Labcorp
Classification: Likely benign for Oto-palato-digital syndrome, type II; Heterotopia, periventricular, X-linked dominant; Frontometaphyseal dysplasia; Melnick-Needles syndrome. Last evaluated: 2025-11-05. Review status: criteria provided, single submitter. Criteria: Invitae Variant Classification Sherloc (09022015). Collection method: clinical testing. Allele origin: germline.

GeneDx
Classification: Likely benign. Last evaluated: 2017-04-13. Review status: criteria provided, single submitter. Criteria: GeneDx Variant Classification (06012015). Collection method: clinical testing. Allele origin: germline. Affected: yes.
Comment: This variant is considered likely benign or benign based on one or more of the following criteria: it is a conservative change, it occurs at a poorly conserved position in the protein, it is predicted to be benign by multiple in silico algorithms, and/or has population frequency not consistent with disease.